The following is an entry in ClinVar:

ClinVar aggregate classification (germline): Likely pathogenic (1 of 4 stars; one submission).

Submission:

GeneDx
Classification: Likely pathogenic. Last evaluated: 2019-01-09. Review status: criteria provided, single submitter. Criteria: GeneDx Variant Classification Process June 2021. Collection method: clinical testing. Allele origin: germline. Affected: yes.
Comment: Occurs in the triple helical domain and replaces the Glycine in the canonical Gly-X-Y repeat. Missense substitution of a canonical Glycine residue is expected to disrupt normal protein folding and function, and this is an established mechanism of disease.; Not observed in large population cohorts (Lek et al., 2016); In silico analysis, which includes protein predictors and evolutionary conservation, supports a deleterious effect; Has not been previously published as pathogenic or benign to our knowledge; This variant is associated with the following publications: (PMID: 31475041)

NM_001844.5(COL2A1):c.2950G>A (p.Gly984Ser)

Gene: COL2A1 (collagen type II alpha 1 chain; minus strand). Cytogenetic location: 12q13.11.
Variant type: single nucleotide variant.
Coding change: c.2950G>A on transcript NM_001844.5 (MANE Select); coding-DNA position 2950, G replaced by A.
Protein change: p.Gly984Ser; replaces glycine 984 with serine.
Molecular consequence: missense variant.
Genome position (GRCh38, 1-based): chr12:47,978,344, C>T on the plus strand (G>A on the coding strand, the complement: COL2A1 is on the minus strand). VCF-style: chr12-47978344-C-T. GRCh37 (hg19) VCF-style: chr12-48372127-C-T.
Other names: c.2743G>A, p.Gly915Ser (NM_033150.3); short protein forms G915S, G984S.
Identifiers: ClinVar variation 1192900 (VCV001192900.2), dbSNP rs2136526413, ClinGen allele CA384541314.